The following is an entry in ClinVar:

NM_001036.6(RYR3):c.1585C>T (p.Arg529Cys)

Gene: RYR3 (ryanodine receptor 3; plus strand). Cytogenetic location: 15q14.
Variant type: single nucleotide variant.
Coding change: c.1585C>T on transcript NM_001036.6 (MANE Select); coding-DNA position 1585, C replaced by T.
Protein change: p.Arg529Cys; replaces arginine 529 with cysteine.
Molecular consequence: missense variant.
Genome position (GRCh38, 1-based): chr15:33,584,406, C>T. VCF-style: chr15-33584406-C-T. GRCh37 (hg19) VCF-style: chr15-33876607-C-T.
Other names: c.1585C>T, p.Arg529Cys (NM_001243996.4); short protein forms R529C.
Identifiers: ClinVar variation 646987 (VCV000646987.6), dbSNP rs753712777, ClinGen allele CA7458182.

ClinVar aggregate classification (germline): Uncertain significance (1 of 4 stars; one submission).

Conditions:
Epileptic encephalopathy. Identifiers: MedGen C0543888, HP:0200134.

Allele frequency attached by ClinVar (database versions not stated): gnomAD 0.00005 and 0.00006; TOPMed 0.00009; ExAC 0.00003.
gnomAD v4.1: 44 of 1,598,758 alleles (0.0028%); highest among the groups gnomAD compares: East Asian, 0.016%; no homozygotes.

Submission:

Labcorp Genetics (formerly Invitae), Labcorp
Classification: Uncertain significance for Epileptic encephalopathy. Last evaluated: 2018-09-24. Review status: criteria provided, single submitter. Criteria: Invitae Variant Classification Sherloc (09022015). Collection method: clinical testing. Allele origin: germline.
Comment: In summary, the available evidence is currently insufficient to determine the role of this variant in disease. Therefore, it has been classified as a Variant of Uncertain Significance. Algorithms developed to predict the effect of missense changes on protein structure and function are either unavailable or do not agree on the potential impact of this missense change (SIFT: "Deleterious"; PolyPhen-2: "Benign"; Align-GVGD: "Class C0"). This variant has not been reported in the literature in individuals with RYR3-related disease. This variant is present in population databases (rs753712777, ExAC 0.008%). This sequence change replaces arginine with cysteine at codon 529 of the RYR3 protein (p.Arg529Cys). The arginine residue is highly conserved and there is a large physicochemical difference between arginine and cysteine.